The following is an entry in ClinVar:

NM_000070.3(CAPN3):c.1800+12G>A

Gene: CAPN3 (calpain 3; plus strand). Cytogenetic location: 15q15.1.
Variant type: single nucleotide variant.
Coding change: c.1800+12G>A on transcript NM_000070.3 (MANE Select); 12 bases into the intron after coding-DNA position 1800, G replaced by A.
Molecular consequence: intron variant.
Genome position (GRCh38, 1-based): chr15:42,405,955, G>A. VCF-style: chr15-42405955-G-A. GRCh37 (hg19) VCF-style: chr15-42698153-G-A.
Other names: c.1782+2178G>A (NM_024344.2); c.1638+2178G>A (NM_173087.2); c.264+12G>A (NM_173088.2); c.-82+12G>A (NM_173090.2); c.-82+1000G>A (NM_173089.2).
Identifiers: ClinVar variation 515851 (VCV000515851.13), dbSNP rs542523863, ClinGen allele CA7511541.

ClinVar aggregate classification (germline): Conflicting classifications of pathogenicity. Review status: criteria provided, conflicting classifications (1 of 4 stars). 4 submissions from 4 submitters: Uncertain significance (1); Likely benign (3). Last evaluated 2026-01-12.

Conditions:
Autosomal recessive limb-girdle muscular dystrophy type 2A (LGMDR1). Also called: Calpainopathy; Muscular dystrophy, limb-girdle, type 2A, Amish; Limb-girdle muscular dystrophy, type 2A; LEYDEN-MOEBIUS MUSCULAR DYSTROPHY; MUSCULAR DYSTROPHY, PELVOFEMORAL. Identifiers: Orphanet 267, MedGen C1869123, MONDO:0009675, OMIM 253600. Disease mechanism: loss of function.

Allele frequency attached by ClinVar (database versions not stated): ExAC 0.00004; gnomAD exomes 0.00009 and 0.00018; gnomAD 0.00013 and 0.00015; TOPMed 0.00015; 1000 Genomes Project 30x 0.00016; 1000 Genomes Project 0.00020.

Submissions (4):

Labcorp Genetics (formerly Invitae), Labcorp
Classification: Likely benign for Autosomal recessive limb-girdle muscular dystrophy type 2A. Last evaluated: 2026-01-12. Review status: criteria provided, single submitter. Criteria: Invitae Variant Classification Sherloc (09022015). Collection method: clinical testing. Allele origin: germline.

Women's Health and Genetics/Laboratory Corporation of America, LabCorp
Classification: Likely benign. Last evaluated: 2024-04-05. Review status: criteria provided, single submitter. Criteria: LabCorp Variant Classification Summary - May 2015. Collection method: clinical testing. Allele origin: germline.

GeneDx
Classification: Likely benign. Last evaluated: 2018-03-05. Review status: criteria provided, single submitter. Criteria: GeneDx Variant Classification (06012015). Collection method: clinical testing. Allele origin: germline. Affected: yes.
Comment: This variant is considered likely benign or benign based on one or more of the following criteria: it is a conservative change, it occurs at a poorly conserved position in the protein, it is predicted to be benign by multiple in silico algorithms, and/or has population frequency not consistent with disease.

Illumina Laboratory Services, Illumina
Classification: Uncertain significance for Limb-girdle muscular dystrophy, type 2A. Last evaluated: 2018-01-13. Review status: criteria provided, single submitter. Criteria: ICSL Variant Classification Criteria 13 December 2019. Collection method: clinical testing. Allele origin: germline.